The following is an entry in ClinVar:

ClinVar aggregate classification (germline): Likely benign (1 of 4 stars; one submission).

Conditions:
Noonan syndrome 6 (NS6). Also called: NRAS-Related Noonan Syndrome. Identifiers: Orphanet 648, MedGen C2750732, MONDO:0013186, OMIM 613224.

Allele frequency attached by ClinVar (database versions not stated): TOPMed 0.00350; gnomAD 0.00356 and 0.00380; 1000 Genomes Project 30x 0.00390; 1000 Genomes Project 0.00419.

Submission:

Illumina Laboratory Services, Illumina
Classification: Likely benign for Noonan syndrome 6. Last evaluated: 2018-01-13. Review status: criteria provided, single submitter. Criteria: ICSL Variant Classification Criteria 13 December 2019. Collection method: clinical testing. Allele origin: germline.
Comment: This variant was observed in the ICSL laboratory as part of a predisposition screen in an ostensibly healthy population. It had not been previously curated by ICSL or reported in the Human Gene Mutation Database (HGMD: prior to June 1st, 2018), and was therefore a candidate for classification through an automated scoring system. Utilizing variant allele frequency, disease prevalence and penetrance estimates, and inheritance mode, an automated score was calculated to assess if this variant is too frequent to cause the disease. Based on the score and internal cut-off values, a variant classified as likely benign is not then subjected to further curation. The score for this variant resulted in a classification of likely benign for this disease.

NM_002524.5(NRAS):c.*3366G>T

Gene: NRAS (NRAS proto-oncogene, GTPase; minus strand). Cytogenetic location: 1p13.2.
Variant type: single nucleotide variant.
Coding change: c.*3366G>T on transcript NM_002524.5 (MANE Select); 3366 bases downstream of the stop codon, G replaced by T.
Molecular consequence: 3 prime UTR variant.
Genome position (GRCh38, 1-based): chr1:114,704,728, C>A on the plus strand (G>T on the coding strand, the complement: NRAS is on the minus strand). VCF-style: chr1-114704728-C-A. GRCh37 (hg19) VCF-style: chr1-115247349-C-A.
Identifiers: ClinVar variation 291943 (VCV000291943.5), dbSNP rs72994440, ClinGen allele CA10607646.